The following is an entry in ClinVar:

NM_024426.6(WT1):c.1121_1122delinsAG (p.Arg374Gln)

Gene: WT1 (WT1 transcription factor; minus strand). Cytogenetic location: 11p13.
Variant type: Indel.
Coding change: c.1121_1122delinsAG on transcript NM_024426.6 (MANE Select); coding-DNA positions 1121 to 1122, GA replaced by AG.
Protein change: p.Arg374Gln; replaces arginine 374 with glutamine.
Molecular consequence: missense variant. On other transcripts: 5 prime UTR variant (1), non-coding transcript variant (1).
Genome position (GRCh38, 1-based): chr11:32,396,399-32,396,400, TC replaced by CT on the plus strand (GA replaced by AG on the coding strand, the reverse complement: WT1 is on the minus strand). VCF-style: chr11-32396399-TC-CT. GRCh37 (hg19) VCF-style: chr11-32417945-TC-CT.
Other names: c.1070_1071delinsAG, p.Arg357Gln (NM_000378.6); c.470_471delGAinsAG, p.Arg157Gln (NM_001198551.2); c.419_420delinsAG, p.Arg140Gln (NM_001198552.2); c.-68_-67delinsAG (NM_001367854.1); c.1115_1116delGAinsAG, p.Arg372Gln (NM_001407044.1); c.1070_1071delGAinsAG, p.Arg357Gln (NM_001407045.1, NM_001407048.1, NM_001407049.1); c.1121_1122delGAinsAG, p.Arg374Gln (NM_001407046.1); c.998_999delGAinsAG, p.Arg333Gln (NM_001407047.1); and 5 more; short protein forms R140Q, R157Q, R357Q, R374Q, R316Q, R333Q, R120Q, R352Q.
Identifiers: ClinVar variation 1051942 (VCV001051942.9), dbSNP rs2132942126, ClinGen allele CA2499220912.
Genomic context (GRCh38, chr11:32,396,399, plus strand): 5'-GCGTTTCTCACTGGTCTCAGATGCCGACCGTACAAGAGTCGGGGCTACTCCAGGCACACG[TC>CT]GCACATCCTGCAGGCAGAGAGTAAGAGGAAGGGAGGCTTTAAGCCACATGTGAACATTCA-3'
Protein context (NP_077744.4, residues 364-384): HGVFRGIQDV[Arg374Gln]RVPGVAPTLV

ClinVar aggregate classification (germline): Uncertain significance. Review status: criteria provided, multiple submitters, no conflicts (2 of 4 stars). 2 submissions from 2 submitters: Uncertain significance (2). Last evaluated 2025-07-09.

Conditions:
Wilms tumor 1 (WT1). Also called: Wilms tumor, somatic. Identifiers: Orphanet 654, MedGen CN033288, MONDO:0008679, OMIM 194070.
11p partial monosomy syndrome (WAGR). Also called: WAGR syndrome; CHROMOSOME 11p13 DELETION SYNDROME; WAGR Complex; WAGR Spectrum Disorder. Identifiers: Orphanet 893, MedGen C0206115, MONDO:0008681, OMIM 194072.
Drash syndrome (DDS). Also called: WILMS TUMOR AND PSEUDO- OR TRUE HERMAPHRODITISM; NEPHROPATHY, WILMS TUMOR, AND GENITAL ANOMALIES. Identifiers: Orphanet 220, MedGen C0950121, MONDO:0008682, OMIM 194080.
Frasier syndrome. Identifiers: Orphanet 347, MedGen C0950122, MeSH D052159, MONDO:0007635, OMIM 136680.
Inborn genetic diseases. Identifiers: MedGen C0950123, MeSH D030342.

Submissions (2):

Ambry Genetics
Classification: Uncertain significance for Inborn genetic diseases. Last evaluated: 2025-07-09. Review status: criteria provided, single submitter. Criteria: Ambry Variant Classification Scheme 2023. Collection method: clinical testing. Allele origin: germline.
Comment: The c.1106_1107delGAinsAG variant (also known as p.R369Q), located in coding exon 7 of the WT1 gene, results from an in-frame deletion of GA and insertion of AG at nucleotide positions 1106 to 1107. This results in the substitution of the arginine residue for a glutamine residue at codon 369, an amino acid with highly similar properties. This amino acid position is highly conserved in available vertebrate species. In addition, this variant is predicted to be neutral by in silico analysis (Choi Y et al. PLoS ONE. 2012; 7(10):e46688). Based on the available evidence, the clinical significance of this variant remains unclear.

Labcorp Genetics (formerly Invitae), Labcorp
Classification: Uncertain significance for Wilms tumor 1; Drash syndrome; 11p partial monosomy syndrome; Frasier syndrome. Last evaluated: 2020-02-14. Review status: criteria provided, single submitter. Criteria: Invitae Variant Classification Sherloc (09022015). Collection method: clinical testing. Allele origin: germline.
Comment: This sequence change replaces arginine with glutamine at codon 369 of the WT1 protein (p.Arg369Gln). The arginine residue is moderately conserved and there is a small physicochemical difference between arginine and glutamine. The frequency data for this variant in the population databases is not available, as this variant may be reported as separate entries in the ExAC database. This variant has not been reported in the literature in individuals with WT1-related conditions. Algorithms developed to predict the effect of missense changes on protein structure and function are either unavailable or do not agree on the potential impact of this missense change (SIFT: "Not Available"; PolyPhen-2: "Probably Damaging"; Align-GVGD: "Class Not Available"). In summary, the available evidence is currently insufficient to determine the role of this variant in disease. Therefore, it has been classified as a Variant of Uncertain Significance.